The following is an entry in ClinVar:

NM_078470.6(COX15):c.832G>A (p.Gly278Arg)

Gene: COX15 (cytochrome c oxidase assembly factor COX15; minus strand). Cytogenetic location: 10q24.2.
Variant type: single nucleotide variant.
Coding change: c.832G>A on transcript NM_078470.6 (MANE Select); coding-DNA position 832, G replaced by A.
Protein change: p.Gly278Arg; replaces glycine 278 with arginine.
Molecular consequence: missense variant. On other transcripts: non-coding transcript variant (1), intron variant (1).
Genome position (GRCh38, 1-based): chr10:99,720,987, C>T on the plus strand (G>A on the coding strand, the complement: COX15 is on the minus strand). VCF-style: chr10-99720987-C-T. GRCh37 (hg19) VCF-style: chr10-101480744-C-T.
Other names: c.832G>A, p.Gly278Arg (NM_001320974.2, NM_001320975.2, NM_001372024.1 and 4 more transcripts); c.295G>A, p.Gly99Arg (NM_001320976.2); c.805+27G>A (NM_001372026.1); short protein forms G278R, G99R.
Identifiers: ClinVar variation 4526012 (VCV004526012.1).

ClinVar aggregate classification (germline): Uncertain significance (1 of 4 stars; one submission).

gnomAD v4.1: 6 of 1,613,228 alleles (0.00037%); highest among the groups gnomAD compares: Non-Finnish European, 0.00042%; no homozygotes.

Submission:

Women's Health and Genetics/Laboratory Corporation of America, LabCorp
Classification: Uncertain significance. Last evaluated: 2025-07-10. Review status: criteria provided, single submitter. Criteria: LabCorp Variant Classification Summary - May 2015. Collection method: clinical testing. Allele origin: germline.
Comment: Variant summary: COX15 c.832G>A (p.Gly278Arg) results in a non-conservative amino acid change in the encoded protein sequence. Algorithms developed to predict the effect of missense changes on protein structure and function all suggest that this variant is likely to be disruptive. Several computational tools predict a significant impact on normal splicing: Three predict the variant weakens a canonical 5' donor site. One predict the variant abolishes a canonical 5' splicing donor site. However, these predictions have yet to be confirmed by functional studies. The variant was absent in 250268 control chromosomes. The available data on variant occurrences in the general population are insufficient to allow any conclusion about variant significance. To our knowledge, no occurrence of c.832G>A in individuals affected with Leigh Syndrome and no experimental evidence demonstrating its impact on protein function have been reported. No submitters have cited clinical-significance assessments for this variant to ClinVar. Based on the evidence outlined above, the variant was classified as uncertain significance.